The following is an entry in ClinVar:

ClinVar aggregate classification (germline): Uncertain significance. Review status: criteria provided, multiple submitters, no conflicts (2 of 4 stars). 2 submissions from 2 submitters: Uncertain significance (2). Last evaluated 2024-09-25.

Conditions:
Hereditary cancer-predisposing syndrome. Also called: Hereditary neoplastic syndrome; Neoplastic Syndromes, Hereditary; Tumor predisposition; Hereditary Cancer Syndrome. Identifiers: Orphanet 140162, MedGen C0027672, MeSH D009386, MONDO:0015356.
Fanconi anemia complementation group J. Also called: BRIP1-Related Fanconi Anemia. Identifiers: Orphanet 84, MedGen C1836860, MONDO:0012187, OMIM 609054.
Familial cancer of breast. Also called: BREAST CANCER, FAMILIAL; Hereditary breast cancer; hereditary breast carcinoma. Identifiers: Orphanet 227535, MedGen C0346153, MONDO:0016419, OMIM 114480. Disease mechanism: loss of function.

Submissions (2):

Labcorp Genetics (formerly Invitae), Labcorp
Classification: Uncertain significance for Familial cancer of breast; Fanconi anemia complementation group J. Last evaluated: 2024-09-25. Review status: criteria provided, single submitter. Criteria: Invitae Variant Classification Sherloc (09022015). Collection method: clinical testing. Allele origin: germline.
Comment: This sequence change replaces cysteine, which is neutral and slightly polar, with serine, which is neutral and polar, at codon 442 of the BRIP1 protein (p.Cys442Ser). This variant is not present in population databases (gnomAD no frequency). This variant has not been reported in the literature in individuals affected with BRIP1-related conditions. ClinVar contains an entry for this variant (Variation ID: 483209). Invitae Evidence Modeling of protein sequence and biophysical properties (such as structural, functional, and spatial information, amino acid conservation, physicochemical variation, residue mobility, and thermodynamic stability) indicates that this missense variant is expected to disrupt BRIP1 protein function with a positive predictive value of 80%. In summary, the available evidence is currently insufficient to determine the role of this variant in disease. Therefore, it has been classified as a Variant of Uncertain Significance.

Ambry Genetics
Classification: Uncertain significance for Hereditary cancer-predisposing syndrome. Last evaluated: 2022-08-07. Review status: criteria provided, single submitter. Criteria: Ambry Variant Classification Scheme 2023. Collection method: clinical testing. Allele origin: germline.
Comment: The p.C442S variant (also known as c.1325G>C), located in coding exon 8 of the BRIP1 gene, results from a G to C substitution at nucleotide position 1325. The cysteine at codon 442 is replaced by serine, an amino acid with dissimilar properties. This amino acid position is highly conserved in available vertebrate species. In addition, this alteration is predicted to be deleterious by in silico analysis. Since supporting evidence is limited at this time, the clinical significance of this alteration remains unclear.

NM_032043.3(BRIP1):c.1325G>C (p.Cys442Ser)

Gene: BRIP1 (BRCA1 interacting DNA helicase 1; minus strand). Cytogenetic location: 17q23.2.
Variant type: single nucleotide variant.
Coding change: c.1325G>C on transcript NM_032043.3 (MANE Select); coding-DNA position 1325, G replaced by C.
Protein change: p.Cys442Ser; replaces cysteine 442 with serine.
Molecular consequence: missense variant.
Genome position (GRCh38, 1-based): chr17:61,799,115, C>G on the plus strand (G>C on the coding strand, the complement: BRIP1 is on the minus strand). VCF-style: chr17-61799115-C-G. GRCh37 (hg19) VCF-style: chr17-59876476-C-G.
Other names: short protein forms C442S.
Identifiers: ClinVar variation 483209 (VCV000483209.14), dbSNP rs1555607040, ClinGen allele CA400483379.